The following is an entry in ClinVar:

ClinVar aggregate classification (germline): Uncertain significance (1 of 4 stars; one submission).

Conditions:
Hypercholesterolemia, autosomal dominant, 3 (FHCL3). Also called: Familial Hypercholesterolemia, Autosomal Dominant, 3; PCSK9-Related Familial Hypercholesterolemia, Autosomal Dominant; Familial hypercholesterolemia 3. Identifiers: MedGen C1863551, MONDO:0011369, OMIM 603776.

gnomAD v4.1: 3 of 1,612,926 alleles (0.00019%); highest among the groups gnomAD compares: Non-Finnish European, 0.00025%; no homozygotes.

Submission:

All of Us Research Program, National Institutes of Health
Classification: Uncertain significance for Hypercholesterolemia, autosomal dominant, 3. Last evaluated: 2023-05-04. Review status: criteria provided, single submitter. Criteria: ACMG Guidelines, 2015. Collection method: clinical testing. Allele origin: germline. Inheritance: Autosomal dominant inheritance. Observed: 1 variant allele, 1 heterozygote.
Comment: This variant causes a G to C nucleotide substitution at the +5 position of intron 5 of the PCSK9 gene. Splice site prediction tools are inconclusive regarding the impact of this variant on RNA splicing. To our knowledge, functional studies have not been reported for this variant. This variant has not been reported in individuals affected with PCSK9-related disorders in the literature. This variant has not been identified in the general population by the Genome Aggregation Database (gnomAD). The available evidence is insufficient to determine the role of this variant in disease conclusively. Therefore, this variant is classified as a Variant of Uncertain Significance.

This study involves interpretation of variants in research participants for the purpose of population health screening. Participant phenotype was not available at the time of variant classification. Additional details can be found in publication PMID: 35346344, PMCID: PMC8962531

NM_174936.4(PCSK9):c.799+5G>C

Gene: PCSK9 (proprotein convertase subtilisin/kexin type 9; plus strand). Cytogenetic location: 1p32.3.
Variant type: single nucleotide variant.
Coding change: c.799+5G>C on transcript NM_174936.4 (MANE Select); 5 bases into the intron after coding-DNA position 799, G replaced by C.
Molecular consequence: intron variant.
Genome position (GRCh38, 1-based): chr1:55,052,796, G>C. VCF-style: chr1-55052796-G-C. GRCh37 (hg19) VCF-style: chr1-55518469-G-C.
Other names: c.742+5G>C (NM_001407243.1); c.799+5G>C (NM_001407244.1, NM_001407247.1, NM_001407241.1); c.607+5G>C (NM_001407245.1); c.424+5G>C (NM_001407246.1); c.922+5G>C (NM_001407240.1); c.802+5G>C (NM_001407242.1).
Identifiers: ClinVar variation 3070844 (VCV003070844.1), dbSNP rs1236589300, ClinGen allele CA1001932458.